The following is an entry in ClinVar:

NM_001367721.1(CASK):c.199C>G (p.His67Asp)

Gene: CASK (calcium/calmodulin dependent serine protein kinase; minus strand). Cytogenetic location: Xp11.4.
Variant type: single nucleotide variant.
Coding change: c.199C>G on transcript NM_001367721.1 (MANE Select); coding-DNA position 199, C replaced by G.
Protein change: p.His67Asp; replaces histidine 67 with aspartic acid.
Molecular consequence: missense variant.
Genome position (GRCh38, 1-based): chrX:41,787,257, G>C on the plus strand (C>G on the coding strand, the complement: CASK is on the minus strand). VCF-style: chrX-41787257-G-C. GRCh37 (hg19) VCF-style: chrX-41646510-G-C.
Other names: c.199C>G, p.His67Asp (NM_001126054.3, NM_001126055.3, NM_001410745.1 and 1 more transcripts); short protein forms H67D.
Identifiers: ClinVar variation 3371867 (VCV003371867.1).

ClinVar aggregate classification (germline): Uncertain significance (1 of 4 stars; one submission).

Submission:

GeneDx
Classification: Uncertain significance. Last evaluated: 2024-04-10. Review status: criteria provided, single submitter. Criteria: GeneDx Variant Classification Process June 2021. Collection method: clinical testing. Allele origin: germline. Affected: yes.
Comment: Not observed at significant frequency in large population cohorts (gnomAD); In silico analysis supports that this missense variant has a deleterious effect on protein structure/function; Has not been previously published as pathogenic or benign to our knowledge